The following is an entry in ClinVar:

NM_001083116.3(PRF1):c.807C>T (p.His269=)

Gene: PRF1 (perforin 1; minus strand). Cytogenetic location: 10q22.1.
Variant type: single nucleotide variant.
Coding change: c.807C>T on transcript NM_001083116.3 (MANE Select); coding-DNA position 807, C replaced by T.
Protein change: p.His269=; no amino-acid change (histidine 269 retained).
Molecular consequence: synonymous variant.
Genome position (GRCh38, 1-based): chr10:70,598,914, G>A on the plus strand (C>T on the coding strand, the complement: PRF1 is on the minus strand). VCF-style: chr10-70598914-G-A. GRCh37 (hg19) VCF-style: chr10-72358670-G-A.
Other names: p.His269=; c.807C>T, p.His269= (NM_005041.6).
Identifiers: ClinVar variation 257407 (VCV000257407.43), dbSNP rs147453010, ClinGen allele CA5538909.

ClinVar aggregate classification (germline): Conflicting classifications of pathogenicity. Review status: criteria provided, conflicting classifications (1 of 4 stars). 6 submissions from 6 submitters: Uncertain significance (1); Benign (1); Likely benign (4). Last evaluated 2026-01-26.

Conditions:
Familial hemophagocytic lymphohistiocytosis 2 (FHL2). Also called: PRF1-Related Familial Hemophagocytic Lymphohistiocytosis (PRF1-fHLH). Identifiers: Orphanet 540, MedGen C1863727, MONDO:0011337, OMIM 603553.

Allele frequency attached by ClinVar (database versions not stated): TOPMed 0.00025; 1000 Genomes Project 30x 0.00031; gnomAD 0.00037 and 0.00039; ESP Exome Variant Server 0.00038; 1000 Genomes Project 0.00040; ExAC 0.00044; gnomAD exomes 0.00044 and 0.00052.

Submissions (6):

Labcorp Genetics (formerly Invitae), Labcorp
Classification: Benign for Familial hemophagocytic lymphohistiocytosis 2. Last evaluated: 2026-01-26. Review status: criteria provided, single submitter. Criteria: Invitae Variant Classification Sherloc (09022015). Collection method: clinical testing. Allele origin: germline.

Mayo Clinic Laboratories, Mayo Clinic
Classification: Likely benign. Last evaluated: 2025-10-30. Review status: criteria provided, single submitter. Criteria: ACMG Guidelines, 2015. Collection method: clinical testing. Allele origin: germline. Observed: 3 variant alleles.
Comment: BS1, BP4, BP7

Blueprint Genetics
Classification: Likely benign. Last evaluated: 2024-08-15. Review status: criteria provided, single submitter. Criteria: ACMG Guidelines, 2015. Collection method: clinical testing. Allele origin: germline.

CeGaT Center for Human Genetics Tuebingen
Classification: Likely benign. Last evaluated: 2023-06-01. Review status: criteria provided, single submitter. Criteria: CeGaT Center For Human Genetics Tuebingen Variant Classification Criteria Version 2. Collection method: clinical testing. Allele origin: germline. Affected: yes. Observed: 1 variant allele.
Comment: PRF1: BP4, BP7

Illumina Laboratory Services, Illumina
Classification: Uncertain significance for Familial hemophagocytic lymphohistiocytosis 2. Last evaluated: 2018-01-13. Review status: criteria provided, single submitter. Criteria: ICSL Variant Classification Criteria 13 December 2019. Collection method: clinical testing. Allele origin: germline.

PreventionGenetics, part of Exact Sciences
Classification: Likely benign. Review status: criteria provided, single submitter. Criteria: ACMG Guidelines, 2015. Collection method: clinical testing. Allele origin: germline.